The following is an entry in ClinVar:

NM_001369.3(DNAH5):c.10068G>A (p.Leu3356=)

Gene: DNAH5 (dynein axonemal heavy chain 5; minus strand). Cytogenetic location: 5p15.2.
Variant type: single nucleotide variant.
Coding change: c.10068G>A on transcript NM_001369.3 (MANE Select); coding-DNA position 10068, G replaced by A.
Protein change: p.Leu3356=; no amino-acid change (leucine 3356 retained).
Molecular consequence: synonymous variant.
Genome position (GRCh38, 1-based): chr5:13,766,009, C>T on the plus strand (G>A on the coding strand, the complement: DNAH5 is on the minus strand). VCF-style: chr5-13766009-C-T. GRCh37 (hg19) VCF-style: chr5-13766118-C-T.
Other names: c.10068G>A (NM_001369.2).
Identifiers: ClinVar variation 1103932 (VCV001103932.10), dbSNP rs769718739, ClinGen allele CA3202340.

ClinVar aggregate classification (germline): Likely benign. Review status: criteria provided, multiple submitters, no conflicts (2 of 4 stars). 2 submissions from 2 submitters: Likely benign (2). Last evaluated 2024-12-07.

Conditions:
Primary ciliary dyskinesia. Also called: Ciliary dyskinesia. Identifiers: Orphanet 244, MedGen C0008780, MONDO:0016575, HP:0012265.
DNAH5-related disorder. Also called: DNAH5-related condition.

Allele frequency attached by ClinVar (database versions not stated): gnomAD exomes below 0.00001 and 0.00001; ExAC 0.00002; TOPMed 0.00002.
gnomAD v4.1: 2 of 1,614,210 alleles (0.00012%); highest among the groups gnomAD compares: Admixed American, 0.0033%; no homozygotes.

Submissions (2):

PreventionGenetics, part of Exact Sciences
Classification: Likely benign for DNAH5-related condition. Last evaluated: 2024-12-07. Review status: criteria provided, single submitter. Criteria: ACMG Guidelines, 2015. Collection method: clinical testing. Allele origin: germline.
Comment: This variant is classified as likely benign based on ACMG/AMP sequence variant interpretation guidelines (Richards et al. 2015 PMID: 25741868, with internal and published modifications).

Labcorp Genetics (formerly Invitae), Labcorp
Classification: Likely benign for Primary ciliary dyskinesia. Last evaluated: 2023-07-28. Review status: criteria provided, single submitter. Criteria: Invitae Variant Classification Sherloc (09022015). Collection method: clinical testing. Allele origin: germline.